The following is an entry in ClinVar:

ClinVar aggregate classification (germline): Conflicting classifications of pathogenicity. Review status: criteria provided, conflicting classifications (1 of 4 stars). 4 submissions from 3 submitters: Pathogenic (1); Likely pathogenic (1); Uncertain significance (2). Last evaluated 2023-10-12.

Conditions:
Hyperinsulinemic hypoglycemia, familial, 1 (HHF1). Also called: Persistent hyperinsulinemic hypoglycemia of infancy; Persistent Hyperinsulinemia Hypoglycemia of Infancy; HYPOGLYCEMIA, HYPERINSULINEMIC, OF INFANCY; NESIDIOBLASTOSIS OF PANCREAS; HYPERINSULINISM, FAMILIAL, WITH PANCREATIC NESIDIOBLASTOSIS. Identifiers: Orphanet 276575, Orphanet 276598, MedGen C2931832, MONDO:0009734, OMIM 256450.
Transitory neonatal diabetes mellitus. Also called: Transient neonatal diabetes mellitus. Identifiers: MedGen C0342273, MONDO:0020525, HP:0008255.
Maturity-onset diabetes of the young (MODY). Also called: Maturity onset diabetes mellitus in young. Identifiers: Orphanet 552, MedGen C0342276, MONDO:0018911, HP:0004904.

Submissions (4):

Athena Diagnostics
Classification: Pathogenic. Last evaluated: 2023-10-12. Review status: criteria provided, single submitter. Criteria: Athena Diagnostics Criteria. Collection method: clinical testing. Allele origin: unknown.
Comment: This variant has been identified in multiple individuals with autosomal dominant congenital hyperinsulinism, including at least one confirmed de novo. This variant has not been reported in large, multi-ethnic general populations. In some published literature, this variant is referred to as p.G1485E. Assessment of experimental evidence suggests this variant results in abnormal protein function. (PMID: 26092864)

Women's Health and Genetics/Laboratory Corporation of America, LabCorp
Classification: Likely pathogenic for dominant CH. Last evaluated: 2011-08-18. Review status: criteria provided, single submitter. Criteria: LabCorp Variant Classification Summary - May 2015. Collection method: curation. Allele origin: germline. Inheritance: autosomal dominant. Affected: yes. Observed: 1 variant allele.
ClinVar note: Converted during submission from likely pathogenic to Likely pathogenic.

Clinical Genomics, Uppaluri K&H Personalized Medicine Clinic
Classification: Uncertain significance for Maturity-onset diabetes of the young. Review status: criteria provided, single submitter. Criteria: K & H Uppaluri Personalized Medicine Clinic Variant Classification & Assertion Criteria_Updated V.1. Collection method: research. Allele origin: somatic. Inheritance: Somatic mutation.
Comment: Mutations in ABCC8 gene are associated with both neonatal diabetes mellitus as well as MODY. Patients with this mutation may have a better response to sulfonylureas. However, no sufficient evidence is found to ascertain the role of this particular variant ( rs193922405) in MODY yet.

Clinical Genomics, Uppaluri K&H Personalized Medicine Clinic
Classification: Uncertain significance for Transitory neonatal diabetes mellitus. Review status: criteria provided, single submitter. Criteria: K & H Uppaluri Personalized Medicine Clinic Variant Classification & Assertion Criteria_Updated V.1. Collection method: research. Allele origin: somatic. Inheritance: Somatic mutation.
Comment: Mutations in ABCC8 gene are associated with both neonatal diabetes mellitus as well as MODY. Patients with this mutation may have a better response to sulfonylureas. However, no sufficient evidence is found to ascertain the role of this particular variant ( rs193922405) in neonatal diabetes yet.

Literature cited by the submitters: PubMed 32027066 (cited by Athena Diagnostics and Clinical Genomics, Uppaluri K&H Personalized Medicine Clinic); PubMed 26092864 (cited by Athena Diagnostics); PubMed 32170320 (cited by Athena Diagnostics); PubMed 24937539 (cited by Athena Diagnostics); PubMed 20573158 (cited by Athena Diagnostics and Women's Health and Genetics/Laboratory Corporation of America, LabCorp); PubMed 16885549 (cited by Clinical Genomics, Uppaluri K&H Personalized Medicine Clinic); PubMed 21989597 (cited by Clinical Genomics, Uppaluri K&H Personalized Medicine Clinic); PubMed 27538677 (cited by Clinical Genomics, Uppaluri K&H Personalized Medicine Clinic); PubMed 18981553 (cited by Clinical Genomics, Uppaluri K&H Personalized Medicine Clinic); PubMed 16613899 (cited by Clinical Genomics, Uppaluri K&H Personalized Medicine Clinic); PubMed 18025408 (cited by Clinical Genomics, Uppaluri K&H Personalized Medicine Clinic); PubMed 32792356 (cited by Clinical Genomics, Uppaluri K&H Personalized Medicine Clinic).

NM_000352.6(ABCC8):c.4451G>A (p.Gly1484Glu)

Gene: ABCC8 (ATP binding cassette subfamily C member 8; minus strand). Cytogenetic location: 11p15.1.
Variant type: single nucleotide variant.
Coding change: c.4451G>A on transcript NM_000352.6 (MANE Select); coding-DNA position 4451, G replaced by A.
Protein change: p.Gly1484Glu; replaces glycine 1484 with glutamic acid.
Molecular consequence: missense variant. On other transcripts: non-coding transcript variant (1).
Genome position (GRCh38, 1-based): chr11:17,394,360, C>T on the plus strand (G>A on the coding strand, the complement: ABCC8 is on the minus strand). VCF-style: chr11-17394360-C-T. GRCh37 (hg19) VCF-style: chr11-17415907-C-T.
Other names: c.4454G>A, p.Gly1485Glu (NM_001287174.3); c.4517G>A, p.Gly1506Glu (NM_001351295.2); c.4451G>A, p.Gly1484Glu (NM_001351296.2); c.4448G>A, p.Gly1483Glu (NM_001351297.2); short protein forms G1484E, G1485E, G1506E, G1483E.
Identifiers: ClinVar variation 35620 (VCV000035620.5), dbSNP rs193922405, ClinGen allele CA260107.
Genomic context (GRCh38, chr11:17,394,360, plus strand): 5'-ATGATGAAGATGCTGGTCTTCCTCACGAAGGCCCGGGCCAGGCAGAACAGCTGCCTCTGT[C>T]CCTGGCTGAAATTCTCCCCGCCTTCTGTGATGATGGCATCTGAAAACAGCCCGGGGAGAT-3'
Protein context (NP_000343.2, residues 1474-1494): ITEGGENFSQ[Gly1484Glu]QRQLFCLARA